The following is an entry in ClinVar:

NM_001267550.2(TTN):c.54916G>T (p.Gly18306Ter)

Genes: TTN-AS1 (TTN antisense RNA 1; plus strand), TTN (titin; minus strand). Cytogenetic location: 2q31.2.
Variant type: single nucleotide variant.
Coding change: c.54916G>T on transcript NM_001267550.2 (MANE Select); coding-DNA position 54916, G replaced by T.
Protein change: p.Gly18306Ter; replaces glycine 18306 with a stop codon.
Molecular consequence: nonsense.
Genome position (GRCh38, 1-based): chr2:178,602,486, C>A on the plus strand (G>T on the coding strand, the complement: TTN is on the minus strand). VCF-style: chr2-178602486-C-A. GRCh37 (hg19) VCF-style: chr2-179467213-C-A.
Other names: c.49993G>T, p.Gly16665Ter (NM_001256850.1); c.27721G>T, p.Gly9241Ter (NM_003319.4); c.47212G>T, p.Gly15738Ter (NM_133378.4); c.28096G>T, p.Gly9366Ter (NM_133432.3); c.28297G>T, p.Gly9433Ter (NM_133437.4); short protein forms G18306*, G9241*, G15738*, G16665*, G9366*, G9433*.
Identifiers: ClinVar variation 4784047 (VCV004784047.1).
Genomic context (GRCh38, chr2:178,602,486, plus strand): 5'-CTGGTTCATTTACTCTTTTCCAGTCAGTAGTACCTTCTTCTTGCATTTCTACAATGTATC[C>A]TTTGATTGGGCTGCCACCATCTTTGGCTGGAGGTTTCCATCCTAGTGAGATGCTTGACTT-3'

ClinVar aggregate classification (germline): Likely pathogenic (1 of 4 stars; one submission).

Conditions:
Dilated cardiomyopathy 1G (CMD1G). Identifiers: Orphanet 154, MedGen C1858763, MONDO:0011400, OMIM 604145.
Autosomal recessive limb-girdle muscular dystrophy type 2J (LGMDR10). Also called: Limb-girdle muscular dystrophy, type 2J; MUSCULAR DYSTROPHY, LIMB-GIRDLE, AUTOSOMAL RECESSIVE 10. Identifiers: Orphanet 140922, MedGen C1837342, MONDO:0012127, OMIM 608807.

Submission:

Labcorp Genetics (formerly Invitae), Labcorp
Classification: Likely pathogenic for Dilated cardiomyopathy 1G; Autosomal recessive limb-girdle muscular dystrophy type 2J. Last evaluated: 2025-02-02. Review status: criteria provided, single submitter. Criteria: Invitae Variant Classification Sherloc (09022015). Collection method: clinical testing. Allele origin: germline.
Comment: This sequence change creates a premature translational stop signal (p.Gly18306*) in the TTN gene. While this is not anticipated to result in nonsense mediated decay, it is expected to create a truncated TTN protein. This variant is not present in population databases (gnomAD no frequency). This variant has not been reported in the literature in individuals affected with TTN-related conditions. This variant is located in the A band of TTN (PMID: 25589632). Truncating variants in this region are significantly overrepresented in patients affected with dilated cardiomyopathy (PMID: 25589632). Truncating variants in this region have also been reported in individuals affected with autosomal recessive centronuclear myopathy (PMID: 23975875). In summary, the currently available evidence indicates that the variant is pathogenic, but additional data are needed to prove that conclusively. Therefore, this variant has been classified as Likely Pathogenic.

Literature cited by the submitters: PubMed 25589632; PubMed 23975875.